The following is an entry in ClinVar:

ClinVar aggregate classification (germline): Likely pathogenic (1 of 4 stars; one submission).

Conditions:
Autosomal recessive limb-girdle muscular dystrophy type 2J (LGMDR10). Also called: Limb-girdle muscular dystrophy, type 2J; MUSCULAR DYSTROPHY, LIMB-GIRDLE, AUTOSOMAL RECESSIVE 10. Identifiers: Orphanet 140922, MedGen C1837342, MONDO:0012127, OMIM 608807.
Dilated cardiomyopathy 1G (CMD1G). Identifiers: Orphanet 154, MedGen C1858763, MONDO:0011400, OMIM 604145.

Submission:

Labcorp Genetics (formerly Invitae), Labcorp
Classification: Likely pathogenic for Dilated cardiomyopathy 1G; Autosomal recessive limb-girdle muscular dystrophy type 2J. Last evaluated: 2022-08-22. Review status: criteria provided, single submitter. Criteria: Invitae Variant Classification Sherloc (09022015). Collection method: clinical testing. Allele origin: germline.
Comment: In summary, the currently available evidence indicates that the variant is pathogenic, but additional data are needed to prove that conclusively. Therefore, this variant has been classified as Likely Pathogenic. This variant is located in the A band of TTN (PMID: 25589632). Truncating variants in this region are significantly overrepresented in patients affected with dilated cardiomyopathy (PMID: 25589632). Truncating variants in this region have also been reported in individuals affected with autosomal recessive centronuclear myopathy (PMID: 23975875). This variant has not been reported in the literature in individuals affected with TTN-related conditions. This variant is not present in population databases (gnomAD no frequency). This sequence change creates a premature translational stop signal (p.Trp30051*) in the TTN gene. While this is not anticipated to result in nonsense mediated decay, it is expected to create a truncated TTN protein.

Literature cited by the submitters: PubMed 25589632; PubMed 23975875.

NM_001267550.2(TTN):c.90152G>A (p.Trp30051Ter)

Genes: TTN-AS1 (TTN antisense RNA 1; plus strand), TTN (titin; minus strand). Cytogenetic location: 2q31.2.
Variant type: single nucleotide variant.
Coding change: c.90152G>A on transcript NM_001267550.2 (MANE Select); coding-DNA position 90152, G replaced by A.
Protein change: p.Trp30051Ter; replaces tryptophan 30051 with a stop codon.
Molecular consequence: nonsense.
Genome position (GRCh38, 1-based): chr2:178,552,748, C>T on the plus strand (G>A on the coding strand, the complement: TTN is on the minus strand). VCF-style: chr2-178552748-C-T. GRCh37 (hg19) VCF-style: chr2-179417475-C-T.
Other names: c.85229G>A, p.Trp28410Ter (NM_001256850.1); c.62957G>A, p.Trp20986Ter (NM_003319.4); c.82448G>A, p.Trp27483Ter (NM_133378.4); c.63332G>A, p.Trp21111Ter (NM_133432.3); c.63533G>A, p.Trp21178Ter (NM_133437.4); short protein forms W27483*, W28410*, W30051*, W20986*, W21111*, W21178*.
Identifiers: ClinVar variation 2120815 (VCV002120815.4), dbSNP rs2469301824, ClinGen allele CA349513480.